The following is an entry in ClinVar:

ClinVar aggregate classification (germline): Uncertain significance. Review status: criteria provided, multiple submitters, no conflicts (2 of 4 stars). 2 submissions from 2 submitters: Uncertain significance (2). Last evaluated 2022-01-10.

Conditions:
Leukocyte adhesion deficiency 1 (LAD1). Also called: LEUKOCYTE ADHESION DEFICIENCY, TYPE I; LAD 1; Lymphocyte function-associated antigen 1 immunodeficiency; LFA 1 immunodeficiency. Identifiers: Orphanet 2968, Orphanet 99842, MedGen C0398738, MONDO:0007293, OMIM 116920.

Allele frequency attached by ClinVar (database versions not stated): gnomAD exomes 0.00003 and 0.00010; gnomAD 0.00004 and 0.00007; ExAC 0.00013; 1000 Genomes Project 30x 0.00078; 1000 Genomes Project 0.00100.
gnomAD v4.1: 53 of 1,613,918 alleles (0.0033%); highest among the groups gnomAD compares: East Asian, 0.058%; no homozygotes.

Submissions (2):

Fulgent Genetics
Classification: Uncertain significance for Leukocyte adhesion deficiency 1. Last evaluated: 2022-01-10. Review status: criteria provided, single submitter. Criteria: ACMG Guidelines, 2015. Collection method: clinical testing. Allele origin: unknown.

Labcorp Genetics (formerly Invitae), Labcorp
Classification: Uncertain significance for Leukocyte adhesion deficiency 1. Last evaluated: 2021-05-26. Review status: criteria provided, single submitter. Criteria: Invitae Variant Classification Sherloc (09022015). Collection method: clinical testing. Allele origin: germline.
Comment: This sequence change affects codon 19 of the ITGB2 mRNA. It is a 'silent' change, meaning that it does not change the encoded amino acid sequence of the ITGB2 protein. This variant is present in population databases (rs533892661, ExAC 0.1%). This variant has not been reported in the literature in individuals with ITGB2-related conditions. Algorithms developed to predict the effect of sequence changes on RNA splicing suggest that this variant is not likely to affect RNA splicing, but this prediction has not been confirmed by published transcriptional studies. In summary, the available evidence is currently insufficient to determine the role of this variant in disease. Therefore, it has been classified as a Variant of Uncertain Significance.

NM_000211.5(ITGB2):c.57C>T (p.Cys19=)

Gene: ITGB2 (integrin subunit beta 2; minus strand). Cytogenetic location: 21q22.3.
Variant type: single nucleotide variant.
Coding change: c.57C>T on transcript NM_000211.5 (MANE Select); coding-DNA position 57, C replaced by T.
Protein change: p.Cys19=; no amino-acid change (cysteine 19 retained).
Molecular consequence: synonymous variant. On other transcripts: 5 prime UTR variant (1).
Genome position (GRCh38, 1-based): chr21:44,910,726, G>A on the plus strand (C>T on the coding strand, the complement: ITGB2 is on the minus strand). VCF-style: chr21-44910726-G-A. GRCh37 (hg19) VCF-style: chr21-46330641-G-A.
Other names: c.57C>T, p.Cys19= (NM_001127491.3); c.-194C>T (NM_001303238.2).
Identifiers: ClinVar variation 1427156 (VCV001427156.4), dbSNP rs533892661, ClinGen allele CA10063481.